The following is an entry in ClinVar:

ClinVar aggregate classification (germline): Likely pathogenic (1 of 4 stars; one submission).

Submission:

Quest Diagnostics Nichols Institute San Juan Capistrano
Classification: Likely pathogenic. Last evaluated: 2024-10-08. Review status: criteria provided, single submitter. Criteria: ACMG/ClinGen CNV Guidelines, 2019. Collection method: clinical testing. Allele origin: unknown.
Comment: The 2q11.1q11.2 deletion involves at least 23 protein-coding genes. Recurrent heterozygous deletions of 2q11.1q11.2 have been reported in individuals with a range of neurodevelopmental disorders (ISCA-37495, Krumm 2015, Kushima 2018, Riley 2015, Rudd 2009, Wright 2015). In addition, two studies have reported enrichment of 2q11.2 deletions in cases compared to controls (Coe 2014, Rees 2016). The presence of this deletion in reportedly unaffected carriers and inheritance from a mildly affected parent are consistent with reduced penetrance and/or variable phenotypic expressivity (Kendall 2019, Riley 2015). There are no similar copy number losses of this region in the general populations of the Database of Genomic Variants. Therefore, based on current medical literature, this copy number variant (CNV) is classified as likely pathogenic with reduced penetrance and variable expressivity. References: Coe et al., Nat Genet. 2014 Oct;46(10):1063-71. PMID: 25217958 Firth et al., Am J Hum Genet. 2009 Apr;84(4):524-33. PMID: 19344873 Kendall et al., Br J Psychiatry. 2019 May;214(5):297-304. PMID: 30767844 Krumm et al., Nat Genet. 2015 Jun;47(6):582-8. PMID: 25961944 Kushima et al., Cell Rep. 2018 Sep 11;24(11):2838-2856. PMID: 30208311 Rees et al., JAMA Psychiatry. 2016 Sep 1;73(9):963-969. PMID: 27602560 Riley et al., Am J Med Genet A. 2015 Nov;167A(11):2664-73. PMID: 26227573 Rudd et al., Hum Mol Genet. 2009 Aug 15;18(16):2957-62. PMID: 19443486

GRCh37/hg19 2q11.1-11.2(chr2:96735977-98258828)x1

Genes: ADRA2B (adrenoceptor alpha 2B; minus strand), SNRNP200 (small nuclear ribonucleoprotein U5 subunit 200; minus strand), STARD7 (StAR related lipid transfer domain containing 7; minus strand), ANKRD36B (ankyrin repeat domain 36B; minus strand), ANKRD39 (ankyrin repeat domain 39; minus strand) and 17 more. Cytogenetic location: 2q11.1-11.2.
Variant type: copy number loss.
Change: copy number 1 (one copy instead of two) of chr2:96,735,977-98,258,828 (1.52 Mb, GRCh37 coordinates, 1-based), cytogenetic band 2q11.1-11.2.
Identifiers: ClinVar variation 562641 (VCV000562641.3).